The following is an entry in ClinVar:

NM_000642.3(AGL):c.410_413del (p.Leu137fs)

Gene: AGL (amylo-alpha-1,6-glucosidase and 4-alpha-glucanotransferase; plus strand). Cytogenetic location: 1p21.2.
Variant type: Deletion.
Coding change: c.410_413del on transcript NM_000642.3 (MANE Select); coding-DNA positions 410 to 413, 4 bases deleted (TGGG; older notation c.410_413delTGGG).
Protein change: p.Leu137fs; shifts the reading frame from leucine 137.
Molecular consequence: frameshift variant.
Genome position (GRCh38, 1-based): chr1:99,862,373-99,862,376, TGGG deleted. VCF-style (leftmost placement, unchanged base first): chr1-99862372-TTGGG-T. GRCh37 (hg19) VCF-style: chr1-100327928-TTGGG-T.
Other names: c.410_413delTGGG, p.Leu137Tyrfs (NM_000644.3, NM_001425325.1, NM_001425326.1 and 5 more transcripts); c.362_365delTGGG, p.Leu121Tyrfs (NM_000646.3); short protein forms L137fs, L121fs.
Identifiers: ClinVar variation 1457723 (VCV001457723.6), dbSNP rs2101087361, ClinGen allele CA419095831.
Genomic context (GRCh38, chr1:99,862,372, plus strand): 5'-GCTGATAATCATGTGCTACCCTTGGACTGTGTTACTCTTCAGACATTTTTAGCTAAGTGT[TTGGG>T]ACCTTTTGATGAATGGGAAAGCAGACTTAGGGTTGCAAAAGAATCAGGTAATGTCAGCTT-3'

ClinVar aggregate classification (germline): Pathogenic (1 of 4 stars; one submission).

Conditions:
Glycogen storage disease type III (GSD3). Also called: FORBES DISEASE; Cori disease. Identifiers: Orphanet 366, MedGen C0017922, MONDO:0009291, OMIM 232400.

Allele frequency attached by ClinVar (database versions not stated): gnomAD exomes below 0.00001.

Submission:

Labcorp Genetics (formerly Invitae), Labcorp
Classification: Pathogenic for Glycogen storage disease type III. Last evaluated: 2023-11-05. Review status: criteria provided, single submitter. Criteria: Invitae Variant Classification Sherloc (09022015). Collection method: clinical testing. Allele origin: germline.
Comment: This sequence change creates a premature translational stop signal (p.Leu137Tyrfs*20) in the AGL gene. It is expected to result in an absent or disrupted protein product. Loss-of-function variants in AGL are known to be pathogenic (PMID: 19299494). This variant is not present in population databases (gnomAD no frequency). This premature translational stop signal has been observed in individual(s) with clinical features of glycogen storage disease type III (GSDIII) (PMID: 20648714). ClinVar contains an entry for this variant (Variation ID: 1457723). For these reasons, this variant has been classified as Pathogenic.

Literature cited by the submitters: PubMed 19299494; PubMed 20648714.